The following is an entry in ClinVar:

NM_005732.4(RAD50):c.615A>C (p.Glu205Asp)

Gene: RAD50 (RAD50 double strand break repair protein; plus strand). Cytogenetic location: 5q31.1.
Variant type: single nucleotide variant.
Coding change: c.615A>C on transcript NM_005732.4 (MANE Select); coding-DNA position 615, A replaced by C.
Protein change: p.Glu205Asp; replaces glutamic acid 205 with aspartic acid.
Molecular consequence: missense variant.
Genome position (GRCh38, 1-based): chr5:132,579,925, A>C. VCF-style: chr5-132579925-A-C. GRCh37 (hg19) VCF-style: chr5-131915617-A-C.
Other names: short protein forms E205D.
Identifiers: ClinVar variation 4677832 (VCV004677832.1).

ClinVar aggregate classification (germline): Uncertain significance (1 of 4 stars; one submission).

Conditions:
Hereditary cancer-predisposing syndrome. Also called: Neoplastic Syndromes, Hereditary; Tumor predisposition; Hereditary Cancer Syndrome; Hereditary neoplastic syndrome. Identifiers: Orphanet 140162, MedGen C0027672, MeSH D009386, MONDO:0015356.

Submission:

Ambry Genetics
Classification: Uncertain significance for Hereditary cancer-predisposing syndrome. Last evaluated: 2025-09-27. Review status: criteria provided, single submitter. Criteria: Ambry Variant Classification Scheme 2023. Collection method: clinical testing. Allele origin: germline.
Comment: The p.E205D variant (also known as c.615A>C), located in coding exon 5 of the RAD50 gene, results from an A to C substitution at nucleotide position 615. The glutamic acid at codon 205 is replaced by aspartic acid, an amino acid with highly similar properties. This amino acid position is conserved. In addition, this alteration is predicted to be tolerated by in silico analysis. Based on the available evidence, the clinical significance of this variant remains unclear.